The following is an entry in ClinVar:

NM_002772.3(TMPRSS15):c.1997T>C (p.Leu666Pro)

Gene: TMPRSS15 (transmembrane serine protease 15; minus strand). Cytogenetic location: 21q21.1.
Variant type: single nucleotide variant.
Coding change: c.1997T>C on transcript NM_002772.3 (MANE Select); coding-DNA position 1997, T replaced by C.
Protein change: p.Leu666Pro; replaces leucine 666 with proline.
Molecular consequence: missense variant.
Genome position (GRCh38, 1-based): chr21:18,315,181, A>G on the plus strand (T>C on the coding strand, the complement: TMPRSS15 is on the minus strand). VCF-style: chr21-18315181-A-G. GRCh37 (hg19) VCF-style: chr21-19687498-A-G.
Other names: c.1997T>C (NM_002772.2); short protein forms L666P.
Identifiers: ClinVar variation 2043927 (VCV002043927.6), dbSNP rs146029374, ClinGen allele CA9984237.

ClinVar aggregate classification (germline): Benign. Review status: criteria provided, single submitter (1 of 4 stars). 2 submissions from 2 submitters: Benign (1). 1 of the submissions does not count toward it. Last evaluated 2026-01-26.

Conditions:
TMPRSS15-related disorder. Also called: TMPRSS15-related condition.

Allele frequency attached by ClinVar (database versions not stated): 1000 Genomes Project 0.00260; gnomAD 0.00273; 1000 Genomes Project 30x 0.00281; ESP Exome Variant Server 0.00308; TOPMed 0.00323.
gnomAD v4.1: 826 of 1,613,894 alleles (0.051%); highest among the groups gnomAD compares: African/African-American, 0.91%; 6 homozygotes.

Submissions (2):

Labcorp Genetics (formerly Invitae), Labcorp
Classification: Benign. Last evaluated: 2026-01-26. Review status: criteria provided, single submitter. Criteria: Invitae Variant Classification Sherloc (09022015). Collection method: clinical testing. Allele origin: germline.

PreventionGenetics, part of Exact Sciences
Classification: Benign for TMPRSS15-related condition. Last evaluated: 2019-06-02. Review status: no assertion criteria provided. Collection method: clinical testing. Allele origin: germline. Not counted in ClinVar's aggregate classification.
Comment: This variant is classified as benign based on ACMG/AMP sequence variant interpretation guidelines (Richards et al. 2015 PMID: 25741868, with internal and published modifications).